The following is an entry in ClinVar:

NM_001429.4(EP300):c.1080A>G (p.Glu360=)

Gene: EP300 (EP300 lysine acetyltransferase; plus strand). Cytogenetic location: 22q13.2.
Variant type: single nucleotide variant.
Coding change: c.1080A>G on transcript NM_001429.4 (MANE Select); coding-DNA position 1080, A replaced by G.
Protein change: p.Glu360=; no amino-acid change (glutamic acid 360 retained).
Molecular consequence: synonymous variant.
Genome position (GRCh38, 1-based): chr22:41,127,660, A>G. VCF-style: chr22-41127660-A-G. GRCh37 (hg19) VCF-style: chr22-41523664-A-G.
Other names: c.1080A>G, p.Glu360= (NM_001362843.2).
Identifiers: ClinVar variation 3356958 (VCV003356958.2).

ClinVar aggregate classification (germline): Likely benign. Review status: criteria provided, single submitter (1 of 4 stars). 2 submissions from 2 submitters: Likely benign (1). 1 of the submissions does not count toward it. Last evaluated 2026-07-13.

Conditions:
Inborn genetic diseases. Identifiers: MedGen C0950123, MeSH D030342.
EP300-related disorder. Also called: EP300-related condition; EP300-related disorders.

gnomAD v4.1: 6 of 1,614,106 alleles (0.00037%); highest among the groups gnomAD compares: Admixed American, 0.0017%; no homozygotes.

Submissions (2):

Ambry Genetics
Classification: Likely benign for Inborn genetic diseases. Last evaluated: 2026-07-13. Review status: criteria provided, single submitter. Criteria: Ambry Variant Classification Scheme 2023. Collection method: clinical testing. Allele origin: germline.

PreventionGenetics, part of Exact Sciences
Classification: Likely benign for EP300-related condition. Last evaluated: 2023-11-10. Review status: no assertion criteria provided. Collection method: clinical testing. Allele origin: germline. Not counted in ClinVar's aggregate classification.
Comment: This variant is classified as likely benign based on ACMG/AMP sequence variant interpretation guidelines (Richards et al. 2015 PMID: 25741868, with internal and published modifications).